The following is an entry in ClinVar:

NM_002661.5(PLCG2):c.820G>T (p.Asp274Tyr)

Gene: PLCG2 (phospholipase C gamma 2; plus strand). Cytogenetic location: 16q23.3.
Variant type: single nucleotide variant.
Coding change: c.820G>T on transcript NM_002661.5 (MANE Select); coding-DNA position 820, G replaced by T.
Protein change: p.Asp274Tyr; replaces aspartic acid 274 with tyrosine.
Molecular consequence: missense variant.
Genome position (GRCh38, 1-based): chr16:81,889,226, G>T. VCF-style: chr16-81889226-G-T. GRCh37 (hg19) VCF-style: chr16-81922831-G-T.
Other names: c.820G>T, p.Asp274Tyr (NM_001425749.1, NM_001425750.1, NM_001425751.1); short protein forms D274Y.
Identifiers: ClinVar variation 3657505 (VCV003657505.2).

ClinVar aggregate classification (germline): Uncertain significance (1 of 4 stars; one submission).

Conditions:
Familial cold autoinflammatory syndrome 3 (FCAS3). Also called: FAMILIAL ATYPICAL COLD URTICARIA; ANTIBODY DEFICIENCY AND IMMUNE DYSREGULATION, PLCG2-ASSOCIATED. Identifiers: Orphanet 300359, MedGen C3280914, MONDO:0013766, OMIM 614468.

gnomAD v4.1: 1 of 1,607,256 alleles (0.000062%); highest among the groups gnomAD compares: African/African-American, 0.0013%; no homozygotes.

Submission:

Labcorp Genetics (formerly Invitae), Labcorp
Classification: Uncertain significance for Familial cold autoinflammatory syndrome 3. Last evaluated: 2024-09-04. Review status: criteria provided, single submitter. Criteria: Invitae Variant Classification Sherloc (09022015). Collection method: clinical testing. Allele origin: germline.
Comment: This sequence change replaces aspartic acid, which is acidic and polar, with tyrosine, which is neutral and polar, at codon 274 of the PLCG2 protein (p.Asp274Tyr). This variant is not present in population databases (gnomAD no frequency). This variant has not been reported in the literature in individuals affected with PLCG2-related conditions. An algorithm developed to predict the effect of missense changes on protein structure and function (PolyPhen-2) suggests that this variant is likely to be disruptive. In summary, the available evidence is currently insufficient to determine the role of this variant in disease. Therefore, it has been classified as a Variant of Uncertain Significance.